The following is an entry in ClinVar:

ClinVar aggregate classification (germline): Benign. Review status: criteria provided, single submitter (1 of 4 stars). 2 submissions from 2 submitters: Benign (1). 1 of the submissions does not count toward it. Last evaluated 2025-10-02.

Conditions:
KRT10-related disorder. Also called: KRT10-related condition.

Submissions (2):

Labcorp Genetics (formerly Invitae), Labcorp
Classification: Benign. Last evaluated: 2025-10-02. Review status: criteria provided, single submitter. Criteria: Invitae Variant Classification Sherloc (09022015). Collection method: clinical testing. Allele origin: germline.

PreventionGenetics, part of Exact Sciences
Classification: Likely benign for KRT10-related condition. Last evaluated: 2019-10-10. Review status: no assertion criteria provided. Collection method: clinical testing. Allele origin: germline. Not counted in ClinVar's aggregate classification.
Comment: This variant is classified as likely benign based on ACMG/AMP sequence variant interpretation guidelines (Richards et al. 2015 PMID: 25741868, with internal and published modifications).

NM_000421.5(KRT10):c.1651AGC[3] (p.Ser553dup)

Gene: KRT10 (keratin 10; minus strand). Cytogenetic location: 17q21.2.
Variant type: Microsatellite.
Coding change: c.1651AGC[3] on transcript NM_000421.5 (MANE Select); three copies in a row of the 3-base unit AGC starting at c.1651; the reference has two copies in a row; one copy, 3 bases duplicated.
Protein change: p.Ser553dup; duplicates serine 553.
Molecular consequence: inframe insertion.
Genome position (GRCh38, 1-based): chr17:40,818,879-40,818,881, GCT duplicated on the plus strand (AGC on the coding strand, the reverse complement: KRT10 is on the minus strand); duplicating any 3 consecutive bases within chr17:40,818,879-40,818,886 gives the same sequence; the position shown is the placement nearest the transcript's 3' end. VCF-style (leftmost placement, unchanged base first): chr17-40818878-A-AGCT. GRCh37 (hg19) VCF-style: chr17-38975130-A-AGCT.
Other names: c.1651AGC[3], p.Ser553dup (NM_001379366.1); c.1654_1656dupAGC (NM_000421.3).
Identifiers: ClinVar variation 1541400 (VCV001541400.10), dbSNP rs570343417, ClinGen allele CA8547912.
Genomic context (GRCh38, chr17:40,818,878, plus strand): 5'-ACCCGGAAGAGGAGGACTTGTGGCCTCCGCTGGAGCTGCCGCCGCCGTATCCGCCGCCGG[A>AGCT]GCTGCTGCCGCCGCCGGAGCTGCCGCCCCCGTAGCCGCCGCCGCCGCCGCCGGAACTGCC-3'